The following is an entry in ClinVar:

NM_000218.3(KCNQ1):c.495G>A (p.Val165=)

Gene: KCNQ1 (potassium voltage-gated channel subfamily Q member 1; plus strand). Cytogenetic location: 11p15.5.
Variant type: single nucleotide variant.
Coding change: c.495G>A on transcript NM_000218.3 (MANE Select); coding-DNA position 495, G replaced by A.
Protein change: p.Val165=; no amino-acid change (valine 165 retained).
Molecular consequence: synonymous variant. On other transcripts: intron variant (1).
Genome position (GRCh38, 1-based): chr11:2,570,645, G>A. VCF-style: chr11-2570645-G-A. GRCh37 (hg19) VCF-style: chr11-2591875-G-A.
Other names: c.495G>A, p.Val165= (NM_001406836.1); c.225G>A, p.Val75= (NM_001406837.1); c.114G>A, p.Val38= (NM_181798.2); c.478-12790G>A (NM_001406838.1).
Identifiers: ClinVar variation 2916016 (VCV002916016.4), dbSNP rs2493667429, ClinGen allele CA472037758.

ClinVar aggregate classification (germline): Likely benign. Review status: criteria provided, multiple submitters, no conflicts (2 of 4 stars). 2 submissions from 2 submitters: Likely benign (2). Last evaluated 2023-10-02.

Conditions:
Long QT syndrome (LQTS). Identifiers: MedGen C0023976, MeSH D008133, MONDO:0002442. Disease mechanism: loss of function. Inheritance: Various modes of inheritance.

gnomAD v4.1: 1 of 1,612,772 alleles (0.000062%); no homozygotes.

Submissions (2):

All of Us Research Program, National Institutes of Health
Classification: Likely benign for Long QT syndrome. Last evaluated: 2023-10-02. Review status: criteria provided, single submitter. Criteria: ACMG Guidelines, 2015. Collection method: clinical testing. Allele origin: germline. Inheritance: Autosomal dominant inheritance. Observed: 1 variant allele, 1 heterozygote.
Comment: This study involves interpretation of variants in research participants for the purpose of population health screening. Participant phenotype was not available at the time of variant classification. Additional details can be found in publication PMID: 35346344, PMCID: PMC8962531

Labcorp Genetics (formerly Invitae), Labcorp
Classification: Likely benign for Long QT syndrome. Last evaluated: 2023-06-04. Review status: criteria provided, single submitter. Criteria: Invitae Variant Classification Sherloc (09022015). Collection method: clinical testing. Allele origin: germline.